The following is an entry in ClinVar:

ClinVar aggregate classification (germline): Uncertain significance (1 of 4 stars; one submission).

Conditions:
Epileptic encephalopathy. Identifiers: MedGen C0543888, HP:0200134.

Allele frequency attached by ClinVar (database versions not stated): gnomAD exomes below 0.00001.

Submission:

Labcorp Genetics (formerly Invitae), Labcorp
Classification: Uncertain significance for Epileptic encephalopathy. Last evaluated: 2022-07-08. Review status: criteria provided, single submitter. Criteria: Invitae Variant Classification Sherloc (09022015). Collection method: clinical testing. Allele origin: germline.
Comment: This sequence change replaces histidine, which is basic and polar, with tyrosine, which is neutral and polar, at codon 127 of the GABBR2 protein (p.His127Tyr). Algorithms developed to predict the effect of missense changes on protein structure and function are either unavailable or do not agree on the potential impact of this missense change (SIFT: "Deleterious"; PolyPhen-2: "Benign"; Align-GVGD: "Class C0"). In summary, the available evidence is currently insufficient to determine the role of this variant in disease. Therefore, it has been classified as a Variant of Uncertain Significance. This variant has not been reported in the literature in individuals affected with GABBR2-related conditions. This variant is not present in population databases (gnomAD no frequency).

NM_005458.8(GABBR2):c.379C>T (p.His127Tyr)

Gene: GABBR2 (gamma-aminobutyric acid type B receptor subunit 2; minus strand). Cytogenetic location: 9q22.33.
Variant type: single nucleotide variant.
Coding change: c.379C>T on transcript NM_005458.8 (MANE Select); coding-DNA position 379, C replaced by T.
Protein change: p.His127Tyr; replaces histidine 127 with tyrosine.
Molecular consequence: missense variant.
Genome position (GRCh38, 1-based): chr9:98,578,015, G>A on the plus strand (C>T on the coding strand, the complement: GABBR2 is on the minus strand). VCF-style: chr9-98578015-G-A. GRCh37 (hg19) VCF-style: chr9-101340297-G-A.
Other names: short protein forms H127Y.
Identifiers: ClinVar variation 2015167 (VCV002015167.4), dbSNP rs2490139619, ClinGen allele CA374350131.